The following is an entry in ClinVar:

NM_000179.3(MSH6):c.3238_3239del (p.Leu1080fs)

Gene: MSH6 (mutS homolog 6; plus strand). Cytogenetic location: 2p16.3.
Variant type: Deletion.
Coding change: c.3238_3239del on transcript NM_000179.3 (MANE Select); coding-DNA positions 3238 to 3239, 2 bases deleted (CT; older notation c.3238_3239delCT).
Protein change: p.Leu1080fs; shifts the reading frame from leucine 1080.
Molecular consequence: frameshift variant.
Genome position (GRCh38, 1-based): chr2:47,803,485-47,803,486, CT deleted; deleting any 2 consecutive bases within chr2:47,803,484-47,803,486 gives the same sequence; the c. name uses the placement nearest the transcript's 3' end. VCF-style (leftmost placement, unchanged base first): chr2-47803483-TTC-T. GRCh37 (hg19) VCF-style: chr2-48030622-TTC-T.
Other names: c.3238_3239delCT (NM_000179.2); c.2848_2849del, p.Leu950fs (NM_001281492.2); c.2332_2333del, p.Leu778fs (NM_001281493.2, NM_001281494.2); short protein forms L1080fs, L778fs, L950fs.
Identifiers: ClinVar variation 218060 (VCV000218060.38), dbSNP rs863225406, ClinGen allele CA279655.

ClinVar aggregate classification (germline): Pathogenic/Likely pathogenic. Review status: criteria provided, multiple submitters, no conflicts (2 of 4 stars). 11 submissions from 11 submitters: Pathogenic (7); Likely pathogenic (1). 3 of the submissions do not count toward it. Last evaluated 2026-03-16.

Conditions:
Gastric cancer. Also called: Stomach cancer; Malignant tumor of stomach. Identifiers: MedGen C0024623, MeSH D013274, MONDO:0001056, OMIM 613659, HP:0012126.
Hereditary nonpolyposis colorectal neoplasms. Identifiers: MedGen C0009405, MeSH D003123.
Lynch syndrome. Identifiers: Orphanet 144, MedGen C4552100, MONDO:0005835. Disease mechanism: loss of function.
Lynch syndrome 5 (LYNCH5). Also called: Colorectal cancer, hereditary nonpolyposis, type 5; Hereditary non-polyposis colorectal cancer, type 5. Identifiers: Orphanet 144, MedGen C1833477, MONDO:0013710, OMIM 614350. Disease mechanism: loss of function.
Inherited prostate cancer.
Hereditary cancer-predisposing syndrome. Also called: Tumor predisposition; Hereditary neoplastic syndrome; Hereditary Cancer Syndrome; Neoplastic Syndromes, Hereditary. Identifiers: Orphanet 140162, MedGen C0027672, MeSH D009386, MONDO:0015356.

Submissions (11):

GeneDx
Classification: Pathogenic. Last evaluated: 2026-03-16. Review status: criteria provided, single submitter. Criteria: GeneDx Variant Classification Process June 2021. Collection method: clinical testing. Allele origin: germline.
Comment: Frameshift variant predicted to result in protein truncation or nonsense mediated decay in a gene for which loss of function is a known mechanism of disease; Not observed at significant frequency in large population cohorts (gnomAD); Truncating variants in this gene are considered pathogenic by a well-established clinical consortium and/or database; This variant is associated with the following publications: (PMID: 27443514, 33087929, 35626031, 33804961, 34887416, 27965287, 24933100)

Genetics Laboratory, Great Ormond Street Hospital NHS Foundation Trust, North Thames Genomic Laboratory Hub
Classification: Pathogenic for Inherited prostate cancer. Last evaluated: 2025-10-22. Review status: criteria provided, single submitter. Criteria: CanVIG MMR Gene Specific V1.7. Collection method: clinical testing. Allele origin: germline. Affected: yes.
Comment: PM2_supporting, PVS1_very-strong, PP4_supporting

Color Diagnostics, LLC DBA Color Health
Classification: Pathogenic for Hereditary cancer-predisposing syndrome. Last evaluated: 2025-08-11. Review status: criteria provided, single submitter. Criteria: ACMG Guidelines, 2015. Collection method: clinical testing. Allele origin: germline.
Comment: This variant deletes 2 nucleotides in exon 5 of the MSH6 gene, creating a frameshift and premature translation stop signal. This variant is expected to result in an absent or non-functional protein product. This variant has been reported in an individual affected with Lynch syndrome (PMID: 24933100). This variant has not been identified in the general population by the Genome Aggregation Database (gnomAD). Loss of MSH6 function is a known mechanism of disease. Based on the available evidence, this variant is classified as Pathogenic.

Labcorp Genetics (formerly Invitae), Labcorp
Classification: Pathogenic for Hereditary nonpolyposis colorectal neoplasms. Last evaluated: 2025-04-27. Review status: criteria provided, single submitter. Criteria: Invitae Variant Classification Sherloc (09022015). Collection method: clinical testing. Allele origin: germline.
Comment: This sequence change creates a premature translational stop signal (p.Leu1080Valfs*12) in the MSH6 gene. It is expected to result in an absent or disrupted protein product. Loss-of-function variants in MSH6 are known to be pathogenic (PMID: 18269114, 24362816). This variant is not present in population databases (gnomAD no frequency). This premature translational stop signal has been observed in individual(s) with endometrial cancer (PMID: 24933100). ClinVar contains an entry for this variant (Variation ID: 218060). For these reasons, this variant has been classified as Pathogenic.

Molecular Pathology, Peter Maccallum Cancer Centre
Classification: Pathogenic for Lynch syndrome 5. Last evaluated: 2024-02-23. Review status: criteria provided, single submitter. Criteria: ACMG Guidelines, 2015. Collection method: clinical testing. Allele origin: germline. Inheritance: Autosomal dominant inheritance.

Ambry Genetics
Classification: Pathogenic for Hereditary cancer-predisposing syndrome. Last evaluated: 2023-11-28. Review status: criteria provided, single submitter. Criteria: Ambry Variant Classification Scheme 2023. Collection method: clinical testing. Allele origin: germline.
Comment: The c.3238_3239delCT pathogenic mutation, located in coding exon 5 of the MSH6 gene, results from a deletion of two nucleotides at nucleotide positions 3238 to 3239, causing a translational frameshift with a predicted alternate stop codon (p.L1080Vfs*12). In addition to the clinical data presented in the literature, this alteration is expected to result in loss of function by premature protein truncation or nonsense-mediated mRNA decay. As such, this alteration is interpreted as a disease-causing mutation.

Myriad Genetics, Inc.
Classification: Pathogenic for Lynch syndrome 5. Last evaluated: 2023-08-22. Review status: criteria provided, single submitter. Criteria: Myriad Autosomal Dominant, Autosomal Recessive and X-Linked Classification Criteria (2023). Collection method: clinical testing. Allele origin: unknown.
Comment: This variant is considered pathogenic. This variant creates a frameshift predicted to result in premature protein truncation.

Laboratory for Molecular Medicine, Mass General Brigham Personalized Medicine
Classification: Likely pathogenic for Lynch syndrome. Last evaluated: 2019-10-14. Review status: criteria provided, single submitter. Criteria: ACMG Guidelines, 2015. Collection method: clinical testing. Allele origin: germline.
Comment: The p.Leu1080ValfsX12 variant in MSH6 has been reported in 1 individual with endometrial cancer (Batte 2014) and was absent from large population studies. This variant has been reported in ClinVar (Variation ID 218060), classified as pathogenic by several clinical labs. This variant is predicted to cause a frameshift, which alters the protein’s amino acid sequence beginning at position 1080 and leads to a premature termination codon 12 amino acids downstream. This alteration is then predicted to lead to a truncated or absent protein. Loss of function of the MSH6 gene is an established disease mechanism in autosomal dominant Lynch syndrome. In summary, the p.Leu1080ValfsX12 variant meets criteria to be classified as likely pathogenic for Lynch syndrome. ACMG/AMP criteria applied: PVS1, PM2.

Laboratory for Genotyping Development, RIKEN
Classification: Pathogenic for Gastric cancer. Last evaluated: 2021-07-01. Review status: no assertion criteria provided. Collection method: research. Allele origin: germline. Not counted in ClinVar's aggregate classification.

Department of Pathology and Laboratory Medicine, Sinai Health System
Classification: Pathogenic for Lynch syndrome. Review status: no assertion criteria provided. Collection method: clinical testing. Allele origin: unknown. Affected: yes. Study: The Canadian Open Genetics Repository (COGR). Not counted in ClinVar's aggregate classification.
Comment: The p.Leu1080ValfsX12 variant was not identified in the literature nor was it identified in the dbSNP, NHLBI Exome Sequencing Project (Exome Variant Server), Exome Aggregation Consortium (ExAC), Clinvitae, COSMIC, MutDB, â€šÃ„ÃºMismatch Repair Genes Variant Databaseâ€šÃ„Ã¹, â€šÃ„ÃºMMR Gene Unclassified Variants Databaseâ€šÃ„Ã¹, â€šÃ„ÃºInSiGHT Colon Cancer Databaseâ€šÃ„Ã¹, â€šÃ„ÃºZhejiang Colon Cancer Databaseâ€šÃ„Ã¹, the ClinVar and UMD databases. The p.Leu1080ValfsX12 deletion variant is predicted to cause a frameshift, which alters the protein's amino acid sequence beginning at codon 1080 and leads to a premature stop codon 12 codons downstream. This alteration is then predicted to result in a truncated or absent protein and loss of function. Loss of function variants of the MSH6 gene are an established mechanism of disease in Lynch syndrome and this is the type of variant expected to cause the disorder. In summary, based on the above information, this variant meets our laboratoryâ€šÃ„Ã´s criteria to be classified as pathogenic.

Mayo Clinic Laboratories, Mayo Clinic
Classification: Likely pathogenic. Review status: no assertion criteria provided. Collection method: research. Allele origin: unknown. Observed: 1 variant allele. Not counted in ClinVar's aggregate classification.

Literature cited by the submitters: PubMed 24933100 (cited by 4 submitters); PubMed 18269114 (cited by Labcorp Genetics (formerly Invitae), Labcorp); PubMed 24362816 (cited by Labcorp Genetics (formerly Invitae), Labcorp); PubMed 27965287 (cited by Ambry Genetics); PubMed 36988593 (cited by Laboratory for Genotyping Development, RIKEN).